The following is an entry in ClinVar:

ClinVar aggregate classification (germline): Uncertain significance (1 of 4 stars; one submission).

Conditions:
Granulomatous disease, chronic, autosomal recessive, cytochrome b-positive, type 3. Also called: Granulomatous disease, chronic, autosomal recessive, cytochrome b-positive, type III; GRANULOMATOUS DISEASE, CHRONIC, AUTOSOMAL RECESSIVE, 3; CGD, AUTOSOMAL RECESSIVE CYTOCHROME b-POSITIVE, TYPE III; GRANULOMATOUS DISEASE, CHRONIC, DUE TO NCF4 DEFICIENCY. Identifiers: Orphanet 379, MedGen C3151409, MONDO:0013507, OMIM 613960.

Allele frequency attached by ClinVar (database versions not stated): TOPMed below 0.00001; gnomAD 0.00001.
gnomAD v4.1: 12 of 1,614,016 alleles (0.00074%); highest among the groups gnomAD compares: Non-Finnish European, 0.001%; no homozygotes.

Submission:

Labcorp Genetics (formerly Invitae), Labcorp
Classification: Uncertain significance for Granulomatous disease, chronic, autosomal recessive, cytochrome b-positive, type 3. Last evaluated: 2021-10-08. Review status: criteria provided, single submitter. Criteria: Invitae Variant Classification Sherloc (09022015). Collection method: clinical testing. Allele origin: germline.
Comment: This variant has not been reported in the literature in individuals affected with NCF4-related conditions. Algorithms developed to predict the effect of missense changes on protein structure and function are either unavailable or do not agree on the potential impact of this missense change (SIFT: "Deleterious"; PolyPhen-2: "Benign"; Align-GVGD: "Class C0"). In summary, the available evidence is currently insufficient to determine the role of this variant in disease. Therefore, it has been classified as a Variant of Uncertain Significance. This variant is not present in population databases (ExAC no frequency). This sequence change replaces isoleucine with leucine at codon 29 of the NCF4 protein (p.Ile29Leu). The isoleucine residue is highly conserved and there is a small physicochemical difference between isoleucine and leucine.

NM_000631.5(NCF4):c.85A>C (p.Ile29Leu)

Genes: NCF4 (neutrophil cytosolic factor 4; plus strand), NCF4-AS1 (NCF4 antisense RNA 1; minus strand). Cytogenetic location: 22q12.3.
Variant type: single nucleotide variant.
Coding change: c.85A>C on transcript NM_000631.5 (MANE Select); coding-DNA position 85, A replaced by C.
Protein change: p.Ile29Leu; replaces isoleucine 29 with leucine.
Molecular consequence: missense variant.
Genome position (GRCh38, 1-based): chr22:36,864,097, A>C. VCF-style: chr22-36864097-A-C. GRCh37 (hg19) VCF-style: chr22-37260139-A-C.
Other names: c.85A>C, p.Ile29Leu (NM_013416.4); short protein forms I29L.
Identifiers: ClinVar variation 1500943 (VCV001500943.6), dbSNP rs1939858000, ClinGen allele CA411376977.
Genomic context (GRCh38, chr22:36,864,097, plus strand): 5'-TCGCACAGTGACTTTGAACAGCTTCCGGATGATGTTGCCATCTCGGCCAACATTGCTGAC[A>C]TCGAGGAGAAGAGAGGCTTCACCAGCCACTTTGTAAGACAGACTCCTAGTCCTTCACCCA-3'
Protein context (NP_000622.2, residues 19-39): DVAISANIAD[Ile29Leu]EEKRGFTSHF